The following is an entry in ClinVar:

ClinVar aggregate classification (germline): Uncertain significance (1 of 4 stars; one submission).

Submission:

Labcorp Genetics (formerly Invitae), Labcorp
Classification: Uncertain significance. Last evaluated: 2022-03-26. Review status: criteria provided, single submitter. Criteria: Invitae Variant Classification Sherloc (09022015). Collection method: clinical testing. Allele origin: germline.
Comment: In summary, the available evidence is currently insufficient to determine the role of this variant in disease. Therefore, it has been classified as a Variant of Uncertain Significance. Algorithms developed to predict the effect of missense changes on protein structure and function are either unavailable or do not agree on the potential impact of this missense change (SIFT: "Tolerated"; PolyPhen-2: "Probably Damaging"; Align-GVGD: "Class C0"). This variant has not been reported in the literature in individuals affected with TNFAIP3-related conditions. This variant is not present in population databases (gnomAD no frequency). This sequence change replaces proline, which is neutral and non-polar, with serine, which is neutral and polar, at codon 268 of the TNFAIP3 protein (p.Pro268Ser).

NM_001270508.2(TNFAIP3):c.802C>T (p.Pro268Ser)

Genes: TNFAIP3 (TNF alpha induced protein 3; plus strand), LOC126859807 (MED14-independent group 3 enhancer GRCh37_chr6:138196296-138197495; plus strand). Cytogenetic location: 6q23.3.
Variant type: single nucleotide variant.
Coding change: c.802C>T on transcript NM_001270508.2 (MANE Select); coding-DNA position 802, C replaced by T.
Protein change: p.Pro268Ser; replaces proline 268 with serine.
Molecular consequence: missense variant.
Genome position (GRCh38, 1-based): chr6:137,876,163, C>T. VCF-style: chr6-137876163-C-T. GRCh37 (hg19) VCF-style: chr6-138197300-C-T.
Other names: c.802C>T, p.Pro268Ser (NM_001270507.2, NM_006290.4); short protein forms P268S.
Identifiers: ClinVar variation 2117890 (VCV002117890.4), dbSNP rs2114485829, ClinGen allele CA365784783.